The following is an entry in ClinVar:

ClinVar aggregate classification (germline): Uncertain significance (1 of 4 stars; one submission).

Conditions:
Catecholaminergic polymorphic ventricular tachycardia 1. Also called: RYR2-Related Catecholaminergic Polymorphic Ventricular Tachycardia; VENTRICULAR TACHYCARDIA, STRESS-INDUCED POLYMORPHIC 1; VENTRICULAR TACHYCARDIA, CATECHOLAMINERGIC POLYMORPHIC, 1, WITH OR WITHOUT ATRIAL DYSFUNCTION AND/OR DILATED CARDIOMYOPATHY. Identifiers: Orphanet 3286, MedGen C1631597, MONDO:0011484, OMIM 604772.

Submission:

Labcorp Genetics (formerly Invitae), Labcorp
Classification: Uncertain significance for Catecholaminergic polymorphic ventricular tachycardia 1. Last evaluated: 2025-05-23. Review status: criteria provided, single submitter. Criteria: Invitae Variant Classification Sherloc (09022015). Collection method: clinical testing. Allele origin: germline.
Comment: This sequence change replaces histidine, which is basic and polar, with tyrosine, which is neutral and polar, at codon 2410 of the RYR2 protein (p.His2410Tyr). This variant is not present in population databases (gnomAD no frequency). This variant has not been reported in the literature in individuals affected with RYR2-related conditions. Invitae Evidence Modeling of protein sequence and biophysical properties (such as structural, functional, and spatial information, amino acid conservation, physicochemical variation, residue mobility, and thermodynamic stability) indicates that this missense variant is not expected to disrupt RYR2 protein function with a negative predictive value of 95%. In summary, the available evidence is currently insufficient to determine the role of this variant in disease. Therefore, it has been classified as a Variant of Uncertain Significance.

NM_001035.3(RYR2):c.7228C>T (p.His2410Tyr)

Gene: RYR2 (ryanodine receptor 2; plus strand). Cytogenetic location: 1q43.
Variant type: single nucleotide variant.
Coding change: c.7228C>T on transcript NM_001035.3 (MANE Select); coding-DNA position 7228, C replaced by T.
Protein change: p.His2410Tyr; replaces histidine 2410 with tyrosine.
Molecular consequence: missense variant.
Genome position (GRCh38, 1-based): chr1:237,643,333, C>T. VCF-style: chr1-237643333-C-T. GRCh37 (hg19) VCF-style: chr1-237806633-C-T.
Other names: short protein forms H2410Y.
Identifiers: ClinVar variation 4690337 (VCV004690337.1).
Genomic context (GRCh38, chr1:237,643,333, plus strand): 5'-ATTGTAACATTGATGTCACAAAGTTGTTCTAATGTTTTTTTTTCCCCTGTATAGTTGATT[C>T]ATGCCGGGAAGGGAGAAGCCATCAGAATTAGGTCCATTTTGAGATCCCTCATTCCCCTGG-3'
Protein context (NP_001026.2, residues 2400-2420): GRCAPEMHLI[His2410Tyr]AGKGEAIRIR